The following is an entry in ClinVar:

NM_002432.3(MNDA):c.898A>G (p.Ile300Val)

Gene: MNDA (myeloid cell nuclear differentiation antigen; plus strand). Cytogenetic location: 1q23.1.
Variant type: single nucleotide variant.
Coding change: c.898A>G on transcript NM_002432.3 (MANE Select); coding-DNA position 898, A replaced by G.
Protein change: p.Ile300Val; replaces isoleucine 300 with valine.
Molecular consequence: missense variant.
Genome position (GRCh38, 1-based): chr1:158,845,914, A>G. VCF-style: chr1-158845914-A-G. GRCh37 (hg19) VCF-style: chr1-158815704-A-G.
Other names: short protein forms I300V.
Identifiers: ClinVar variation 1765335 (VCV001765335.2), dbSNP rs2526088191, ClinGen allele CA343042213.

ClinVar aggregate classification (germline): Uncertain significance (1 of 4 stars; one submission).

Submission:

Ambry Genetics
Classification: Uncertain significance. Last evaluated: 2021-07-25. Review status: criteria provided, single submitter. Criteria: Ambry Variant Classification Scheme 2023. Collection method: clinical testing. Allele origin: germline.
Comment: The p.I300V variant (also known as c.898A>G), located in coding exon 4 of the MNDA gene, results from an A to G substitution at nucleotide position 898. The isoleucine at codon 300 is replaced by valine, an amino acid with highly similar properties. This amino acid position is conserved. In addition, this alteration is predicted to be tolerated by in silico analysis. Since supporting evidence is limited at this time, the clinical significance of this alteration remains unclear.